The following is an entry in ClinVar:

NM_182961.4(SYNE1):c.10162C>T (p.Leu3388Phe)

Gene: SYNE1 (spectrin repeat containing nuclear envelope protein 1; minus strand). Cytogenetic location: 6q25.2.
Variant type: single nucleotide variant.
Coding change: c.10162C>T on transcript NM_182961.4 (MANE Select); coding-DNA position 10162, C replaced by T.
Protein change: p.Leu3388Phe; replaces leucine 3388 with phenylalanine.
Molecular consequence: missense variant.
Genome position (GRCh38, 1-based): chr6:152,362,307, G>A on the plus strand (C>T on the coding strand, the complement: SYNE1 is on the minus strand). VCF-style: chr6-152362307-G-A. GRCh37 (hg19) VCF-style: chr6-152683442-G-A.
Other names: c.10183C>T, p.Leu3395Phe (NM_033071.5); short protein forms L3388F, L3395F.
Identifiers: ClinVar variation 2436623 (VCV002436623.5), dbSNP rs116883984, ClinGen allele CA4057038.
Genomic context (GRCh38, chr6:152,362,307, plus strand): 5'-TACTATCCATCCAACCGGAGAACTGTCGAACGCCATCCTGATAACTTGTCCACTTGGAGA[G>A]AGCTCCTTCGAGTTGGCTGAAAGGGATTTGAAAGGACAATAAATCCACATTGAGAATCCT-3'
Protein context (NP_892006.3, residues 3378-3398): IRCKSQLEGA[Leu3388Phe]SKWTSYQDGV

ClinVar aggregate classification (germline): Uncertain significance. Review status: criteria provided, multiple submitters, no conflicts (2 of 4 stars). 2 submissions from 2 submitters: Uncertain significance (2). Last evaluated 2024-10-07.

Conditions:
Emery-Dreifuss muscular dystrophy 4, autosomal dominant (EDMD4). Also called: EMERY-DREIFUSS MUSCULAR DYSTROPHY 4 WITH VARIABLE FEATURES. Identifiers: Orphanet 261, MedGen C2751807, MONDO:0013071, OMIM 612998.
Autosomal recessive ataxia, Beauce type. Also called: ATAXIA, RECESSIVE, OF BEAUCE; SYNE1 Deficiency; Spinocerebellar ataxia, autosomal recessive 8; SYNE1-Related Autosomal Recessive Cerebellar Ataxia. Identifiers: Orphanet 88644, MedGen C1853116, MONDO:0012549, OMIM 610743.

Allele frequency attached by ClinVar (database versions not stated): ExAC 0.00002; gnomAD exomes 0.00002; 1000 Genomes Project 0.00020; 1000 Genomes Project 30x 0.00031.
gnomAD v4.1: 34 of 1,614,218 alleles (0.0021%); highest among the groups gnomAD compares: Non-Finnish European, 0.0028%; no homozygotes.

Submissions (2):

Labcorp Genetics (formerly Invitae), Labcorp
Classification: Uncertain significance for Emery-Dreifuss muscular dystrophy 4, autosomal dominant; Autosomal recessive ataxia, Beauce type. Last evaluated: 2024-10-07. Review status: criteria provided, single submitter. Criteria: Invitae Variant Classification Sherloc (09022015). Collection method: clinical testing. Allele origin: germline.
Comment: This sequence change replaces leucine, which is neutral and non-polar, with phenylalanine, which is neutral and non-polar, at codon 3395 of the SYNE1 protein (p.Leu3395Phe). This variant is present in population databases (rs116883984, gnomAD 0.004%). This variant has not been reported in the literature in individuals affected with SYNE1-related conditions. ClinVar contains an entry for this variant (Variation ID: 2436623). An algorithm developed to predict the effect of missense changes on protein structure and function (PolyPhen-2) suggests that this variant is likely to be disruptive. In summary, the available evidence is currently insufficient to determine the role of this variant in disease. Therefore, it has been classified as a Variant of Uncertain Significance.

Revvity Omics, Revvity
Classification: Uncertain significance. Last evaluated: 2021-12-14. Review status: criteria provided, single submitter. Criteria: ACMG Guidelines, 2015. Collection method: clinical testing. Allele origin: germline.